The following is an entry in ClinVar:

ClinVar aggregate classification (germline): Likely benign. Review status: criteria provided, multiple submitters, no conflicts (2 of 4 stars). 2 submissions from 2 submitters: Likely benign (2). Last evaluated 2026-02-01.

Conditions:
Familial focal epilepsy with variable foci (FPEVF). Identifiers: Orphanet 98820, MedGen C1858477, MONDO:0020310.

Allele frequency attached by ClinVar (database versions not stated): gnomAD exomes 0.00001 and 0.00002; TOPMed 0.00001; ExAC 0.00002.
gnomAD v4.1: 14 of 1,609,018 alleles (0.00087%); highest among the groups gnomAD compares: East Asian, 0.0022%; no homozygotes.

Submissions (2):

CeGaT Center for Human Genetics Tuebingen
Classification: Likely benign. Last evaluated: 2026-02-01. Review status: criteria provided, single submitter. Criteria: CeGaT Center For Human Genetics Tuebingen Variant Classification Criteria Version 2. Collection method: clinical testing. Allele origin: germline. Affected: yes. Observed: 1 variant allele.
Comment: DEPDC5: BP4, BP7

Labcorp Genetics (formerly Invitae), Labcorp
Classification: Likely benign for Familial focal epilepsy with variable foci. Last evaluated: 2025-06-19. Review status: criteria provided, single submitter. Criteria: Invitae Variant Classification Sherloc (09022015). Collection method: clinical testing. Allele origin: germline.

NM_001242896.3(DEPDC5):c.3606G>A (p.Pro1202=)

Gene: DEPDC5 (DEP domain containing 5, GATOR1 subcomplex subunit; plus strand). Cytogenetic location: 22q12.3.
Variant type: single nucleotide variant.
Coding change: c.3606G>A on transcript NM_001242896.3 (MANE Select); coding-DNA position 3606, G replaced by A.
Protein change: p.Pro1202=; no amino-acid change (proline 1202 retained).
Molecular consequence: synonymous variant. On other transcripts: non-coding transcript variant (4).
Genome position (GRCh38, 1-based): chr22:31,874,315, G>A. VCF-style: chr22-31874315-G-A. GRCh37 (hg19) VCF-style: chr22-32270301-G-A.
Other names: c.3579G>A, p.Pro1193= (NM_001136029.4); c.3306G>A, p.Pro1102= (NM_001242897.2); c.3540G>A, p.Pro1180= (NM_001363852.2, NM_001364320.2); c.3372G>A, p.Pro1124= (NM_001363854.2, NM_001364319.2); c.3606G>A, p.Pro1202= (NM_001364318.2); c.3522G>A, p.Pro1174= (NM_001369901.1, NM_001369902.1); c.3513G>A, p.Pro1171= (NM_001369903.1, NM_014662.6).
Identifiers: ClinVar variation 748942 (VCV000748942.14), dbSNP rs749703301, ClinGen allele CA10197042.